The following is an entry in ClinVar:

ClinVar aggregate classification (germline): Uncertain significance (1 of 4 stars; one submission).

Conditions:
Hereditary cancer-predisposing syndrome. Also called: Neoplastic Syndromes, Hereditary; Tumor predisposition; Hereditary neoplastic syndrome; Hereditary Cancer Syndrome. Identifiers: Orphanet 140162, MedGen C0027672, MeSH D009386, MONDO:0015356.

Submission:

Ambry Genetics
Classification: Uncertain significance for Hereditary cancer-predisposing syndrome. Last evaluated: 2025-12-07. Review status: criteria provided, single submitter. Criteria: Ambry Variant Classification Scheme 2023. Collection method: clinical testing. Allele origin: germline.
Comment: The p.R385P variant (also known as c.1154G>C), located in coding exon 8 of the RAD50 gene, results from a G to C substitution at nucleotide position 1154. The arginine at codon 385 is replaced by proline, an amino acid with dissimilar properties. This amino acid position is conserved. In addition, this alteration is predicted to be tolerated by in silico analysis. Since supporting evidence is limited at this time, the clinical significance of this alteration remains unclear.

NM_005732.4(RAD50):c.1154G>C (p.Arg385Pro)

Gene: RAD50 (RAD50 double strand break repair protein; plus strand). Cytogenetic location: 5q31.1.
Variant type: single nucleotide variant.
Coding change: c.1154G>C on transcript NM_005732.4 (MANE Select); coding-DNA position 1154, G replaced by C.
Protein change: p.Arg385Pro; replaces arginine 385 with proline.
Molecular consequence: missense variant.
Genome position (GRCh38, 1-based): chr5:132,588,789, G>C. VCF-style: chr5-132588789-G-C. GRCh37 (hg19) VCF-style: chr5-131924481-G-C.
Other names: short protein forms R385P.
Identifiers: ClinVar variation 3224933 (VCV003224933.2), dbSNP rs150030986, ClinGen allele CA360942712.